The following is an entry in ClinVar:

NM_000414.4(HSD17B4):c.1189C>A (p.Leu397Ile)

Gene: HSD17B4 (hydroxysteroid 17-beta dehydrogenase 4; plus strand). Cytogenetic location: 5q23.1.
Variant type: single nucleotide variant.
Coding change: c.1189C>A on transcript NM_000414.4 (MANE Select); coding-DNA position 1189, C replaced by A.
Protein change: p.Leu397Ile; replaces leucine 397 with isoleucine.
Molecular consequence: missense variant. On other transcripts: non-coding transcript variant (2).
Genome position (GRCh38, 1-based): chr5:119,499,533, C>A. VCF-style: chr5-119499533-C-A. GRCh37 (hg19) VCF-style: chr5-118835228-C-A.
Other names: c.1264C>A, p.Leu422Ile (NM_001199291.3); c.1135C>A, p.Leu379Ile (NM_001199292.2); c.1117C>A, p.Leu373Ile (NM_001292027.2); c.769C>A, p.Leu257Ile (NM_001292028.2); c.1180C>A, p.Leu394Ile (NM_001374497.1); c.1189C>A, p.Leu397Ile (NM_001374498.1); c.862C>A, p.Leu288Ile (NM_001374499.1); c.748C>A, p.Leu250Ile (NM_001374500.1); and 1 more; short protein forms L250I, L373I, L397I, L422I, L257I, L379I, L394I, L288I.
Identifiers: ClinVar variation 2932329 (VCV002932329.3), dbSNP rs2531743904, ClinGen allele CA360868313.

ClinVar aggregate classification (germline): Uncertain significance (1 of 4 stars; one submission).

Conditions:
Perrault syndrome. Also called: Gonadal dysgenesis with auditory dysfunction, autosomal recessive inheritance. Identifiers: Orphanet 2855, MedGen C0685838, MONDO:0017312.
Bifunctional peroxisomal enzyme deficiency (DBIF). Also called: DBP DEFICIENCY; PBFE DEFICIENCY; D-bifunctional protein deficiency. Identifiers: Orphanet 300, MedGen C0342870, MONDO:0009855, OMIM 261515. Disease mechanism: loss of function.

Submission:

Labcorp Genetics (formerly Invitae), Labcorp
Classification: Uncertain significance for Perrault syndrome; Bifunctional peroxisomal enzyme deficiency. Last evaluated: 2023-04-03. Review status: criteria provided, single submitter. Criteria: Invitae Variant Classification Sherloc (09022015). Collection method: clinical testing. Allele origin: germline.
Comment: In summary, the available evidence is currently insufficient to determine the role of this variant in disease. Therefore, it has been classified as a Variant of Uncertain Significance. Advanced modeling of protein sequence and biophysical properties (such as structural, functional, and spatial information, amino acid conservation, physicochemical variation, residue mobility, and thermodynamic stability) performed at Invitae indicates that this missense variant is not expected to disrupt HSD17B4 protein function. This variant has not been reported in the literature in individuals affected with HSD17B4-related conditions. This variant is not present in population databases (gnomAD no frequency). This sequence change replaces leucine, which is neutral and non-polar, with isoleucine, which is neutral and non-polar, at codon 397 of the HSD17B4 protein (p.Leu397Ile).